The following is an entry in ClinVar:

ClinVar aggregate classification (germline): Uncertain significance (1 of 4 stars; one submission).

Conditions:
Leber congenital amaurosis 3 (LCA3). Also called: SPATA7-Related Retinitis Pigmentosa. Identifiers: MedGen C1858677, MONDO:0011415, OMIM 604232.

Submission:

Labcorp Genetics (formerly Invitae), Labcorp
Classification: Uncertain significance for Leber congenital amaurosis 3. Last evaluated: 2022-08-08. Review status: criteria provided, single submitter. Criteria: Invitae Variant Classification Sherloc (09022015). Collection method: clinical testing. Allele origin: germline.
Comment: This variant results in a copy number gain of the genomic region encompassing exon(s) 5-12 of the SPATA7 gene. This region includes the termination codon of the gene. This copy number gain extends beyond the assayed region for this gene and therefore may encompass additional genes. As the precise location of this event is unknown, it may be in tandem or it may be located elsewhere in the genome. This variant has not been reported in the literature in individuals affected with SPATA7-related conditions. In summary, the available evidence is currently insufficient to determine the role of this variant in disease. Therefore, it has been classified as a Variant of Uncertain Significance.

NC_000014.8:g.(?_88883035)_(88904766_?)dup

Gene: SPATA7 (spermatogenesis associated 7; plus strand). Cytogenetic location: 14q31.3.
Variant type: Duplication.
Identifiers: ClinVar variation 1412159 (VCV001412159.4).